The following is an entry in ClinVar:

NM_000038.6(APC):c.2859A>C (p.Lys953Asn)

Gene: APC (APC regulator of Wnt signaling pathway; plus strand). Cytogenetic location: 5q22.2.
Variant type: single nucleotide variant.
Coding change: c.2859A>C on transcript NM_000038.6 (MANE Select); coding-DNA position 2859, A replaced by C.
Protein change: p.Lys953Asn; replaces lysine 953 with asparagine.
Molecular consequence: missense variant. On other transcripts: non-coding transcript variant (2).
Genome position (GRCh38, 1-based): chr5:112,838,453, A>C. VCF-style: chr5-112838453-A-C. GRCh37 (hg19) VCF-style: chr5-112174150-A-C.
Other names: c.2913A>C, p.Lys971Asn (NM_001354896.2, NM_001407447.1, NM_001407448.1 and 1 more transcripts); c.2889A>C, p.Lys963Asn (NM_001354897.2); c.2784A>C, p.Lys928Asn (NM_001354898.2); c.2775A>C, p.Lys925Asn (NM_001354899.2); c.2736A>C, p.Lys912Asn (NM_001354900.2); c.2682A>C, p.Lys894Asn (NM_001354901.2, NM_001407453.1); c.2859A>C, p.Lys953Asn (NM_001127510.3, NM_001354895.2, NM_001407450.1); c.2838A>C, p.Lys946Asn (NM_001407451.1); and 11 more; short protein forms K569N, K793N, K827N, K862N, K870N, K894N, K928N, K946N.
Identifiers: ClinVar variation 4843504 (VCV004843504.1).

ClinVar aggregate classification (germline): Uncertain significance (1 of 4 stars; one submission).

Conditions:
Hereditary cancer-predisposing syndrome. Also called: Neoplastic Syndromes, Hereditary; Tumor predisposition; Hereditary Cancer Syndrome; Hereditary neoplastic syndrome. Identifiers: Orphanet 140162, MedGen C0027672, MeSH D009386, MONDO:0015356.

Submission:

Ambry Genetics
Classification: Uncertain significance for Hereditary cancer-predisposing syndrome. Last evaluated: 2025-12-23. Review status: criteria provided, single submitter. Criteria: Ambry Variant Classification Scheme 2023. Collection method: clinical testing. Allele origin: germline.
Comment: The p.K953N variant (also known as c.2859A>C), located in coding exon 15 of the APC gene, results from an A to C substitution at nucleotide position 2859. The lysine at codon 953 is replaced by asparagine, an amino acid with similar properties. This amino acid position is highly conserved in available vertebrate species. In addition, in silico predictors for this gene do not accurately predict pathogenicity. Missense variants in APC are not a common cause of disease (Spier I et al. Genet Med. 2024 Feb;26(2):100992). Based on the available evidence, the clinical significance of this variant remains unclear.